The following is an entry in ClinVar:

NM_001376.5(DYNC1H1):c.7291G>A (p.Gly2431Ser)

Gene: DYNC1H1 (dynein cytoplasmic 1 heavy chain 1; plus strand). Cytogenetic location: 14q32.31.
Variant type: single nucleotide variant.
Coding change: c.7291G>A on transcript NM_001376.5 (MANE Select); coding-DNA position 7291, G replaced by A.
Protein change: p.Gly2431Ser; replaces glycine 2431 with serine.
Molecular consequence: missense variant.
Genome position (GRCh38, 1-based): chr14:102,015,904, G>A. VCF-style: chr14-102015904-G-A. GRCh37 (hg19) VCF-style: chr14-102482241-G-A.
Other names: short protein forms G2431S.
Identifiers: ClinVar variation 1063024 (VCV001063024.9), dbSNP rs773669775, ClinGen allele CA7352790.
Genomic context (GRCh38, chr14:102,015,904, plus strand): 5'-TCCACTTTCTAGATCCAAAGAGATGCAGCTACGATCATGCAACCGTACTTCACGTCCAAC[G>A]GCCTGGTCACCAAGGCGCTAGAGCACGCCTTCCAGCTGGAGCACATCATGGACCTAACAC-3'
Protein context (NP_001367.2, residues 2421-2441): TIMQPYFTSN[Gly2431Ser]LVTKALEHAF

ClinVar aggregate classification (germline): Uncertain significance (1 of 4 stars; one submission).

Conditions:
Charcot-Marie-Tooth disease axonal type 2O. Also called: CHARCOT-MARIE-TOOTH NEUROPATHY, AXONAL, TYPE 2O; CHARCOT-MARIE-TOOTH DISEASE, AXONAL, AUTOSOMAL DOMINANT, TYPE 2O; Charcot-Marie-Tooth Neuropathy Type 2O; Charcot-Marie-Tooth disease, axonal, type 20. Identifiers: Orphanet 284232, MedGen C3280220, MONDO:0013644, OMIM 614228.

Allele frequency attached by ClinVar (database versions not stated): TOPMed below 0.00001; gnomAD 0.00001; ExAC 0.00002.
gnomAD v4.1: 8 of 1,614,070 alleles (0.0005%); highest among the groups gnomAD compares: East Asian, 0.0022%; no homozygotes.

Submission:

Labcorp Genetics (formerly Invitae), Labcorp
Classification: Uncertain significance for Charcot-Marie-Tooth disease axonal type 2O. Last evaluated: 2023-07-14. Review status: criteria provided, single submitter. Criteria: Invitae Variant Classification Sherloc (09022015). Collection method: clinical testing. Allele origin: germline.
Comment: This sequence change replaces glycine, which is neutral and non-polar, with serine, which is neutral and polar, at codon 2431 of the DYNC1H1 protein (p.Gly2431Ser). This variant is present in population databases (rs773669775, gnomAD 0.006%). This variant has not been reported in the literature in individuals affected with DYNC1H1-related conditions. ClinVar contains an entry for this variant (Variation ID: 1063024). Advanced modeling of protein sequence and biophysical properties (such as structural, functional, and spatial information, amino acid conservation, physicochemical variation, residue mobility, and thermodynamic stability) has been performed at Invitae for this missense variant, however the output from this modeling did not meet the statistical confidence thresholds required to predict the impact of this variant on DYNC1H1 protein function. In summary, the available evidence is currently insufficient to determine the role of this variant in disease. Therefore, it has been classified as a Variant of Uncertain Significance.